The following is an entry in ClinVar:

ClinVar aggregate classification (germline): Uncertain significance (1 of 4 stars; one submission).

Conditions:
CNTN6-related disorder. Also called: CNTN6-related condition.

Allele frequency attached by ClinVar (database versions not stated): TOPMed below 0.00001.

Submission:

PreventionGenetics, part of Exact Sciences
Classification: Uncertain significance for CNTN6-related condition. Last evaluated: 2023-02-01. Review status: criteria provided, single submitter. Criteria: ACMG Guidelines, 2015. Collection method: clinical testing. Allele origin: germline.
Comment: The CNTN6 c.16A>G variant is predicted to result in the amino acid substitution p.Lys6Glu. To our knowledge, this variant has not been reported in the literature or in a large population database, indicating this variant is rare. At this time, the clinical significance of this variant is uncertain due to the absence of conclusive functional and genetic evidence.

NM_001289080.2(CNTN6):c.16A>G (p.Lys6Glu)

Gene: CNTN6 (contactin 6; plus strand). Cytogenetic location: 3p26.3.
Variant type: single nucleotide variant.
Coding change: c.16A>G on transcript NM_001289080.2 (MANE Select); coding-DNA position 16, A replaced by G.
Protein change: p.Lys6Glu; replaces lysine 6 with glutamic acid.
Molecular consequence: missense variant. On other transcripts: 5 prime UTR variant (3), intron variant (2).
Genome position (GRCh38, 1-based): chr3:1,148,024, A>G. VCF-style: chr3-1148024-A-G. GRCh37 (hg19) VCF-style: chr3-1189708-A-G.
Other names: c.16A>G, p.Lys6Glu (NM_001349350.2, NM_001349351.2, NM_001349352.2 and 7 more transcripts); c.-800A>G (NM_001349360.2); c.-1102A>G (NM_001349361.2); c.-1004A>G (NM_001349362.2); c.-162+54904A>G (NM_001289081.2); c.-883+54904A>G (NM_001349359.2); short protein forms K6E.
Identifiers: ClinVar variation 2629989 (VCV002629989.1), dbSNP rs2092759452, ClinGen allele CA351463827.